The following is an entry in ClinVar:

ClinVar aggregate classification (germline): Uncertain significance. Review status: criteria provided, multiple submitters, no conflicts (2 of 4 stars). 2 submissions from 2 submitters: Uncertain significance (2). Last evaluated 2022-08-31.

Conditions:
Autosomal recessive limb-girdle muscular dystrophy type R18 (LGMDR18). Also called: Limb-girdle muscular dystrophy, type 2S; MUSCULAR DYSTROPHY, LIMB-GIRDLE, AUTOSOMAL RECESSIVE 18; Autosomal recessive limb-girdle muscular dystrophy type 2S. Identifiers: Orphanet 369840, MedGen C4517996, MONDO:0014144, OMIM 615356.
Inborn genetic diseases. Identifiers: MedGen C0950123, MeSH D030342.

Allele frequency attached by ClinVar (database versions not stated): ExAC 0.00002; gnomAD exomes 0.00002; ESP Exome Variant Server 0.00008; gnomAD 0.00011 and 0.00013; TOPMed 0.00011.

Submissions (2):

Labcorp Genetics (formerly Invitae), Labcorp
Classification: Uncertain significance for Autosomal recessive limb-girdle muscular dystrophy type R18. Last evaluated: 2022-08-31. Review status: criteria provided, single submitter. Criteria: Invitae Variant Classification Sherloc (09022015). Collection method: clinical testing. Allele origin: germline.
Comment: This sequence change replaces aspartic acid, which is acidic and polar, with asparagine, which is neutral and polar, at codon 552 of the TRAPPC11 protein (p.Asp552Asn). This variant is present in population databases (rs374195797, gnomAD 0.02%). This variant has not been reported in the literature in individuals affected with TRAPPC11-related conditions. ClinVar contains an entry for this variant (Variation ID: 644133). Algorithms developed to predict the effect of missense changes on protein structure and function are either unavailable or do not agree on the potential impact of this missense change (SIFT: "Deleterious"; PolyPhen-2: "Possibly Damaging"; Align-GVGD: "Class C0"). In summary, the available evidence is currently insufficient to determine the role of this variant in disease. Therefore, it has been classified as a Variant of Uncertain Significance.

Ambry Genetics
Classification: Uncertain significance for Inborn genetic diseases. Last evaluated: 2022-01-21. Review status: criteria provided, single submitter. Criteria: Ambry Variant Classification Scheme 2023. Collection method: clinical testing. Allele origin: germline.

NM_021942.6(TRAPPC11):c.1654G>A (p.Asp552Asn)

Gene: TRAPPC11 (trafficking protein particle complex subunit 11; plus strand). Cytogenetic location: 4q35.1.
Variant type: single nucleotide variant.
Coding change: c.1654G>A on transcript NM_021942.6 (MANE Select); coding-DNA position 1654, G replaced by A.
Protein change: p.Asp552Asn; replaces aspartic acid 552 with asparagine.
Molecular consequence: missense variant.
Genome position (GRCh38, 1-based): chr4:183,685,295, G>A. VCF-style: chr4-183685295-G-A. GRCh37 (hg19) VCF-style: chr4-184606448-G-A.
Other names: c.1654G>A, p.Asp552Asn (NM_199053.3); c.1654G>A (NM_021942.4); short protein forms D552N.
Identifiers: ClinVar variation 644133 (VCV000644133.7), dbSNP rs374195797, ClinGen allele CA3151993.
Genomic context (GRCh38, chr4:183,685,295, plus strand): 5'-ACTAGTTGAATGGATGTTAACTCTGTGTTGATGCAGAATGAAAGTCCTGATCCAGAACCC[G>A]ACTGTGATATCTTAGCTGTGAAAACTGCTCAGAAGCTGTGGGCAGACCGAATTTCTCTGG-3'
Protein context (NP_068761.4, residues 542-562): LMNESPDPEP[Asp552Asn]CDILAVKTAQ